The following is an entry in ClinVar:

NM_001376.5(DYNC1H1):c.12654G>A (p.Thr4218=)

Gene: DYNC1H1 (dynein cytoplasmic 1 heavy chain 1; plus strand). Cytogenetic location: 14q32.31.
Variant type: single nucleotide variant.
Coding change: c.12654G>A on transcript NM_001376.5 (MANE Select); coding-DNA position 12654, G replaced by A.
Protein change: p.Thr4218=; no amino-acid change (threonine 4218 retained).
Molecular consequence: synonymous variant.
Genome position (GRCh38, 1-based): chr14:102,044,015, G>A. VCF-style: chr14-102044015-G-A. GRCh37 (hg19) VCF-style: chr14-102510352-G-A.
Identifiers: ClinVar variation 700701 (VCV000700701.19), dbSNP rs747207435, ClinGen allele CA7353986.

ClinVar aggregate classification (germline): Likely benign. Review status: criteria provided, multiple submitters, no conflicts (2 of 4 stars). 3 submissions from 3 submitters: Likely benign (3). Last evaluated 2025-12-15.

Conditions:
Charcot-Marie-Tooth disease axonal type 2O. Also called: Charcot-Marie-Tooth Neuropathy Type 2O; Charcot-Marie-Tooth disease, axonal, type 20; CHARCOT-MARIE-TOOTH NEUROPATHY, AXONAL, TYPE 2O; CHARCOT-MARIE-TOOTH DISEASE, AXONAL, AUTOSOMAL DOMINANT, TYPE 2O. Identifiers: Orphanet 284232, MedGen C3280220, MONDO:0013644, OMIM 614228.

Allele frequency attached by ClinVar (database versions not stated): ExAC 0.00001; gnomAD exomes 0.00001 and 0.00002; gnomAD 0.00003 and 0.00004; TOPMed 0.00003.
gnomAD v4.1: 42 of 1,613,974 alleles (0.0026%); highest among the groups gnomAD compares: African/African-American, 0.0093%; no homozygotes.

Submissions (3):

Labcorp Genetics (formerly Invitae), Labcorp
Classification: Likely benign for Charcot-Marie-Tooth disease axonal type 2O. Last evaluated: 2025-12-15. Review status: criteria provided, single submitter. Criteria: Invitae Variant Classification Sherloc (09022015). Collection method: clinical testing. Allele origin: germline.

CeGaT Center for Human Genetics Tuebingen
Classification: Likely benign. Last evaluated: 2025-06-01. Review status: criteria provided, single submitter. Criteria: CeGaT Center For Human Genetics Tuebingen Variant Classification Criteria Version 2. Collection method: clinical testing. Allele origin: germline. Affected: yes. Observed: 1 variant allele.
Comment: DYNC1H1: BP4, BP7

Blueprint Genetics
Classification: Likely benign. Last evaluated: 2024-06-26. Review status: criteria provided, single submitter. Criteria: ACMG Guidelines, 2015. Collection method: clinical testing. Allele origin: germline.